The following is an entry in ClinVar:

NM_005866.4(SIGMAR1):c.125_126del (p.Ile42fs)

Genes: SIGMAR1 (sigma receptor chaperone 1; minus strand), LOC130001681 (ATAC-STARR-seq lymphoblastoid silent region 19853; plus strand). Cytogenetic location: 9p13.3.
Variant type: Deletion.
Coding change: c.125_126del on transcript NM_005866.4 (MANE Select); coding-DNA positions 125 to 126, 2 bases deleted (TA; older notation c.125_126delTA).
Protein change: p.Ile42fs; shifts the reading frame from isoleucine 42.
Molecular consequence: frameshift variant. On other transcripts: 5 prime UTR variant (1), non-coding transcript variant (1), intron variant (1).
Genome position (GRCh38, 1-based): chr9:34,637,572-34,637,573, TA deleted on the plus strand (TA on the coding strand, the reverse complement: SIGMAR1 is on the minus strand); deleting any 2 consecutive bases within chr9:34,637,572-34,637,574 gives the same sequence; the c. name uses the placement nearest the transcript's 3' end. VCF-style (leftmost placement, unchanged base first): chr9-34637571-CTA-C. GRCh37 (hg19) VCF-style: chr9-34637568-CTA-C.
Other names: c.125_126del, p.Ile42fs (NM_001282205.2, NM_001282208.2, NM_001282209.2 and 1 more transcripts); c.-129_-128del (NM_001282206.2); c.91+34_91+35del (NM_001282207.2); short protein forms I42fs.
Identifiers: ClinVar variation 2083521 (VCV002083521.4), dbSNP rs2492828821, ClinGen allele CA2580080506.
Genomic context (GRCh38, chr9:34,637,571, plus strand): 5'-GCCGGCCGCTCCCCTCCCTGCCCTCTGCCCGCTCACCAGCGTACTGCCGCGCCAACTGCG[CTA>C]TCTCTTCGCGCTGGAAGACGAAGCTCTGCGTACCCAGCCAGAGCCAGACGACCTGGGTCA-3'

ClinVar aggregate classification (germline): Pathogenic (1 of 4 stars; one submission).

Conditions:
Autosomal recessive distal spinal muscular atrophy 2. Also called: NEUROPATHY, DISTAL HEREDITARY MOTOR, AUTOSOMAL RECESSIVE 2; NEURONOPATHY, DISTAL HEREDITARY MOTOR, JERASH TYPE; NEUROPATHY, DISTAL HEREDITARY MOTOR, JERASH TYPE; SPINAL MUSCULAR ATROPHY, JERASH TYPE; Hereditary motor neuropathy, Jerash type; Motor neuropathy, distal, Jerash type. Identifiers: Orphanet 139552, MedGen C1854023, MONDO:0011585, OMIM 605726.
Amyotrophic lateral sclerosis type 16. Also called: AMYOTROPHIC LATERAL SCLEROSIS 16, JUVENILE. Identifiers: Orphanet 300605, MedGen C3280587, MONDO:0013715, OMIM 614373.

Submission:

Labcorp Genetics (formerly Invitae), Labcorp
Classification: Pathogenic for Autosomal recessive distal spinal muscular atrophy 2; Amyotrophic lateral sclerosis type 16. Last evaluated: 2022-03-10. Review status: criteria provided, single submitter. Criteria: Invitae Variant Classification Sherloc (09022015). Collection method: clinical testing. Allele origin: germline.
Comment: This sequence change creates a premature translational stop signal (p.Ile42Serfs*81) in the SIGMAR1 gene. It is expected to result in an absent or disrupted protein product. Loss-of-function variants in SIGMAR1 are known to be pathogenic (PMID: 26078401, 27402882, 28708278, 29115704). This variant is not present in population databases (gnomAD no frequency). This variant has not been reported in the literature in individuals affected with SIGMAR1-related conditions. For these reasons, this variant has been classified as Pathogenic.

Literature cited by the submitters: PubMed 26078401; PubMed 27402882; PubMed 28708278; PubMed 29115704.